The following is an entry in ClinVar:

ClinVar aggregate classification (germline): Likely benign (1 of 4 stars; one submission).

Allele frequency attached by ClinVar (database versions not stated): 1000 Genomes Project 0.00100; 1000 Genomes Project 30x 0.00125; TOPMed 0.00187; ESP Exome Variant Server 0.00192; gnomAD exomes 0.00240; ExAC 0.00342; gnomAD 0.00347.

Submission:

CeGaT Center for Human Genetics Tuebingen
Classification: Likely benign. Last evaluated: 2022-11-01. Review status: criteria provided, single submitter. Criteria: CeGaT Center For Human Genetics Tuebingen Variant Classification Criteria Version 2. Collection method: clinical testing. Allele origin: germline. Affected: yes. Observed: 1 variant allele.
Comment: STAM2: BP4, BS2

NM_005843.6(STAM2):c.1174A>G (p.Met392Val)

Gene: STAM2 (signal transducing adaptor molecule 2; minus strand). Cytogenetic location: 2q23.3.
Variant type: single nucleotide variant.
Coding change: c.1174A>G on transcript NM_005843.6 (MANE Select); coding-DNA position 1174, A replaced by G.
Protein change: p.Met392Val; replaces methionine 392 with valine.
Molecular consequence: missense variant.
Genome position (GRCh38, 1-based): chr2:152,126,231, T>C on the plus strand (A>G on the coding strand, the complement: STAM2 is on the minus strand). VCF-style: chr2-152126231-T-C. GRCh37 (hg19) VCF-style: chr2-152982745-T-C.
Other names: short protein forms M392V.
Identifiers: ClinVar variation 2651438 (VCV002651438.24), dbSNP rs61754878, ClinGen allele CA1912928.
Genomic context (GRCh38, chr2:152,126,231, plus strand): 5'-TTTACTTTTAAAAGTTGTTTATAATTTAGAAAATGTTCTCAAAAAACATGCTCACCTGCA[T>C]TGGAACCCCAGATGATGCAGGTGGGTAATGTGCTGGAGGGTGGAGCTTTGAATAGACTGA-3'
Protein context (NP_005834.4, residues 382-402): HYPPASSGVP[Met392Val]QTYPVQSHGG